The following is an entry in ClinVar:

ClinVar aggregate classification (germline): Uncertain significance (1 of 4 stars; one submission).

Conditions:
Combined immunodeficiency due to LRBA deficiency. Also called: Common variable immunodeficiency 8, with autoimmunity. Identifiers: Orphanet 445018, MedGen C3553512, MONDO:0013863, OMIM 614700.

Submission:

Labcorp Genetics (formerly Invitae), Labcorp
Classification: Uncertain significance for Combined immunodeficiency due to LRBA deficiency. Last evaluated: 2021-06-13. Review status: criteria provided, single submitter. Criteria: Invitae Variant Classification Sherloc (09022015). Collection method: clinical testing. Allele origin: germline.
Comment: In summary, the available evidence is currently insufficient to determine the role of this variant in disease. Therefore, it has been classified as a Variant of Uncertain Significance. This sequence change replaces methionine with isoleucine at codon 147 of the LRBA protein (p.Met147Ile). The methionine residue is weakly conserved and there is a small physicochemical difference between methionine and isoleucine. This variant is not present in population databases (ExAC no frequency). This variant has not been reported in the literature in individuals with LRBA-related conditions. Algorithms developed to predict the effect of missense changes on protein structure and function output the following: SIFT: "Tolerated"; PolyPhen-2: "Benign"; Align-GVGD: "Class C0". The isoleucine amino acid residue is found in multiple mammalian species, suggesting that this missense change does not adversely affect protein function. These predictions have not been confirmed by published functional studies and their clinical significance is uncertain.

NM_001364905.1(LRBA):c.441G>C (p.Met147Ile)

Gene: LRBA (LPS responsive beige-like anchor protein; minus strand). Cytogenetic location: 4q31.3.
Variant type: single nucleotide variant.
Coding change: c.441G>C on transcript NM_001364905.1 (MANE Select); coding-DNA position 441, G replaced by C.
Protein change: p.Met147Ile; replaces methionine 147 with isoleucine.
Molecular consequence: missense variant.
Genome position (GRCh38, 1-based): chr4:150,928,841, C>G on the plus strand (G>C on the coding strand, the complement: LRBA is on the minus strand). VCF-style: chr4-150928841-C-G. GRCh37 (hg19) VCF-style: chr4-151849993-C-G.
Other names: c.441G>C, p.Met147Ile (NM_001199282.3, NM_001367550.1, NM_006726.5); short protein forms M147I.
Identifiers: ClinVar variation 1374833 (VCV001374833.8), dbSNP rs2149508763, ClinGen allele CA358439191.
Genomic context (GRCh38, chr4:150,928,841, plus strand): 5'-TGAAAATCAAACTTTATTTCTTTGCATATATTGTACTATAGAAAAAATCATACCTGCTAT[C>G]ATATTGTCAACTTTTTCAATTTTCCCAAGCACTTTTTCAACAAGGCCTACTTCAGTGCAG-3'
Protein context (NP_001351834.1, residues 137-157): VLGKIEKVDN[Met147Ile]IADLLVDMLG